The following is an entry in ClinVar:

NM_000264.5(PTCH1):c.2146T>C (p.Ser716Pro)

Genes: PTCH1 (patched 1; minus strand), LOC100507346 (uncharacterized LOC100507346; plus strand). Cytogenetic location: 9q22.32.
Variant type: single nucleotide variant.
Coding change: c.2146T>C on transcript NM_000264.5 (MANE Select); coding-DNA position 2146, T replaced by C.
Protein change: p.Ser716Pro; replaces serine 716 with proline.
Molecular consequence: missense variant. On other transcripts: non-coding transcript variant (2).
Genome position (GRCh38, 1-based): chr9:95,468,855, A>G on the plus strand (T>C on the coding strand, the complement: PTCH1 is on the minus strand). VCF-style: chr9-95468855-A-G. GRCh37 (hg19) VCF-style: chr9-98231137-A-G.
Other names: c.1948T>C, p.Ser650Pro (NM_001083602.3); c.2143T>C, p.Ser715Pro (NM_001083603.3); c.1693T>C, p.Ser565Pro (NM_001083604.3, NM_001083605.3, NM_001083606.3 and 1 more transcripts); c.1990T>C, p.Ser664Pro (NM_001354918.2); short protein forms S716P, S650P, S565P, S664P, S715P.
Identifiers: ClinVar variation 569287 (VCV000569287.9), dbSNP rs1564033174, ClinGen allele CA374115556.

ClinVar aggregate classification (germline): Uncertain significance (1 of 4 stars; one submission).

Conditions:
Gorlin syndrome. Also called: Nevoid Basal Cell Carcinoma Syndrome; Basal cell nevus syndrome. Identifiers: Orphanet 377, MedGen C0004779, MONDO:0007187.

Submission:

Labcorp Genetics (formerly Invitae), Labcorp
Classification: Uncertain significance for Gorlin syndrome. Last evaluated: 2018-01-23. Review status: criteria provided, single submitter. Criteria: Invitae Variant Classification Sherloc (09022015). Collection method: clinical testing. Allele origin: germline.
Comment: In summary, the available evidence is currently insufficient to determine the role of this variant in disease. Therefore, it has been classified as a Variant of Uncertain Significance. Algorithms developed to predict the effect of missense changes on protein structure and function (SIFT, PolyPhen-2, Align-GVGD) all suggest that this variant is likely to be tolerated, but these predictions have not been confirmed by published functional studies and their clinical significance is uncertain. This variant has not been reported in the literature in individuals with PTCH1-related disease. This variant is not present in population databases (ExAC no frequency). This sequence change replaces serine with proline at codon 716 of the PTCH1 protein (p.Ser716Pro). The serine residue is moderately conserved and there is a moderate physicochemical difference between serine and proline.